The following is an entry in ClinVar:

NM_003235.5(TG):c.479-1G>A

Gene: TG (thyroglobulin; plus strand). Cytogenetic location: 8q24.22.
Variant type: single nucleotide variant.
Coding change: c.479-1G>A on transcript NM_003235.5 (MANE Select); the canonical splice acceptor site of the intron before coding-DNA position 479, G replaced by A.
Molecular consequence: splice acceptor variant.
Genome position (GRCh38, 1-based): chr8:132,873,061, G>A. VCF-style: chr8-132873061-G-A. GRCh37 (hg19) VCF-style: chr8-133885306-G-A.
Identifiers: ClinVar variation 1067799 (VCV001067799.7), dbSNP rs976187958, ClinGen allele CA186328513.

ClinVar aggregate classification (germline): Likely pathogenic (1 of 4 stars; one submission).

Allele frequency attached by ClinVar (database versions not stated): gnomAD exomes below 0.00001; TOPMed 0.00001.
gnomAD v4.1: 1 of 1,614,118 alleles (0.000062%); highest among the groups gnomAD compares: Non-Finnish European, 0.000085%; no homozygotes.

Submission:

Labcorp Genetics (formerly Invitae), Labcorp
Classification: Likely pathogenic. Last evaluated: 2017-08-20. Review status: criteria provided, single submitter. Criteria: Invitae Variant Classification Sherloc (09022015). Collection method: clinical testing. Allele origin: germline.
Comment: In summary, the currently available evidence indicates that the variant is pathogenic, but additional data are needed to prove that conclusively. Therefore, this variant has been classified as Likely Pathogenic. Donor and acceptor splice site variants typically lead to a loss of protein function (PMID: 16199547), and loss-of-function variants in TG are known to be pathogenic (PMID: 12915634, 19837936, 23164529). Algorithms developed to predict the effect of sequence changes on RNA splicing suggest that this variant may disrupt the consensus splice site, but this prediction has not been confirmed by published transcriptional studies. This variant has not been reported in the literature in individuals with TG-related disease. This variant is not present in population databases (ExAC no frequency). This sequence change affects an acceptor splice site in intron 4 of the TG gene. It is expected to disrupt RNA splicing and likely results in an absent or disrupted protein product.

Literature cited by the submitters: PubMed 16199547; PubMed 12915634; PubMed 19837936; PubMed 23164529.